The following is an entry in ClinVar:

NM_019842.4(KCNQ5):c.2112G>A (p.Ala704=)

Gene: KCNQ5 (potassium voltage-gated channel subfamily Q member 5; plus strand). Cytogenetic location: 6q13.
Variant type: single nucleotide variant.
Coding change: c.2112G>A on transcript NM_019842.4 (MANE Select); coding-DNA position 2112, G replaced by A.
Protein change: p.Ala704=; no amino-acid change (alanine 704 retained).
Molecular consequence: synonymous variant.
Genome position (GRCh38, 1-based): chr6:73,194,727, G>A. VCF-style: chr6-73194727-G-A. GRCh37 (hg19) VCF-style: chr6-73904450-G-A.
Other names: c.2085G>A, p.Ala695= (NM_001160130.2); c.2142G>A, p.Ala714= (NM_001160132.2); c.2169G>A, p.Ala723= (NM_001160133.2); c.1782G>A, p.Ala594= (NM_001160134.2).
Identifiers: ClinVar variation 744574 (VCV000744574.17), dbSNP rs142867844, ClinGen allele CA3887211.

ClinVar aggregate classification (germline): Likely benign. Review status: criteria provided, multiple submitters, no conflicts (2 of 4 stars). 4 submissions from 4 submitters: Likely benign (3). 1 of the submissions does not count toward it. Last evaluated 2026-07-01.

Conditions:
KCNQ5-related disorder. Also called: KCNQ5-related condition.

Allele frequency attached by ClinVar (database versions not stated): TOPMed 0.00002; ExAC 0.00005; gnomAD 0.00019.
gnomAD v4.1: 112 of 1,614,078 alleles (0.0069%); highest among the groups gnomAD compares: Middle Eastern, 0.033%; no homozygotes.

Submissions (4):

CeGaT Center for Human Genetics Tuebingen
Classification: Likely benign. Last evaluated: 2026-07-01. Review status: criteria provided, single submitter. Criteria: CeGaT Center For Human Genetics Tuebingen Variant Classification Criteria Version 2. Collection method: clinical testing. Allele origin: germline. Affected: yes. Observed: 2 variant alleles.
Comment: KCNQ5: BP4, BP7

Labcorp Genetics (formerly Invitae), Labcorp
Classification: Likely benign. Last evaluated: 2025-10-01. Review status: criteria provided, single submitter. Criteria: Invitae Variant Classification Sherloc (09022015). Collection method: clinical testing. Allele origin: germline.

Blueprint Genetics
Classification: Likely benign. Last evaluated: 2024-11-20. Review status: criteria provided, single submitter. Criteria: ACMG Guidelines, 2015. Collection method: clinical testing. Allele origin: germline.

PreventionGenetics, part of Exact Sciences
Classification: Likely benign for KCNQ5-related condition. Last evaluated: 2024-06-20. Review status: no assertion criteria provided. Collection method: clinical testing. Allele origin: germline. Not counted in ClinVar's aggregate classification.
Comment: This variant is classified as likely benign based on ACMG/AMP sequence variant interpretation guidelines (Richards et al. 2015 PMID: 25741868, with internal and published modifications).